The following is an entry in ClinVar:

NM_033310.3(KCNK4):c.1069C>G (p.Arg357Gly)

Genes: KCNK4 (potassium two pore domain channel subfamily K member 4; plus strand), KCNK4-CATSPERZ (KCNK4-CATSPERZ readthrough (NMD candidate); plus strand). Cytogenetic location: 11q13.1.
Variant type: single nucleotide variant.
Coding change: c.1069C>G on transcript NM_033310.3 (MANE Select); coding-DNA position 1069, C replaced by G.
Protein change: p.Arg357Gly; replaces arginine 357 with glycine.
Molecular consequence: missense variant. On other transcripts: non-coding transcript variant (3).
Genome position (GRCh38, 1-based): chr11:64,299,613, C>G. VCF-style: chr11-64299613-C-G. GRCh37 (hg19) VCF-style: chr11-64067085-C-G.
Other names: c.1069C>G, p.Arg357Gly (NM_001317090.2, NM_033311.1); c.1069C>G (NM_033310.2); short protein forms R357G.
Identifiers: ClinVar variation 2781945 (VCV002781945.4), dbSNP rs764329658, ClinGen allele CA381069202.

ClinVar aggregate classification (germline): Uncertain significance. Review status: criteria provided, multiple submitters, no conflicts (2 of 4 stars). 2 submissions from 2 submitters: Uncertain significance (2). Last evaluated 2025-04-10.

Submissions (2):

Ambry Genetics
Classification: Uncertain significance. Last evaluated: 2025-04-10. Review status: criteria provided, single submitter. Criteria: Ambry Variant Classification Scheme 2023. Collection method: clinical testing. Allele origin: germline.

Labcorp Genetics (formerly Invitae), Labcorp
Classification: Uncertain significance. Last evaluated: 2023-10-30. Review status: criteria provided, single submitter. Criteria: Invitae Variant Classification Sherloc (09022015). Collection method: clinical testing. Allele origin: germline.
Comment: This sequence change replaces arginine, which is basic and polar, with glycine, which is neutral and non-polar, at codon 357 of the KCNK4 protein (p.Arg357Gly). This variant is not present in population databases (gnomAD no frequency). This variant has not been reported in the literature in individuals affected with KCNK4-related conditions. Experimental studies and prediction algorithms are not available or were not evaluated, and the functional significance of this variant is currently unknown. In summary, the available evidence is currently insufficient to determine the role of this variant in disease. Therefore, it has been classified as a Variant of Uncertain Significance.